The following is an entry in ClinVar:

ClinVar aggregate classification (germline): Uncertain significance. Review status: criteria provided, multiple submitters, no conflicts (2 of 4 stars). 2 submissions from 2 submitters: Uncertain significance (2). Last evaluated 2017-11-03.

Conditions:
Dilated cardiomyopathy 1G (CMD1G). Identifiers: Orphanet 154, MedGen C1858763, MONDO:0011400, OMIM 604145.
Autosomal recessive limb-girdle muscular dystrophy type 2J (LGMDR10). Also called: Limb-girdle muscular dystrophy, type 2J; MUSCULAR DYSTROPHY, LIMB-GIRDLE, AUTOSOMAL RECESSIVE 10. Identifiers: Orphanet 140922, MedGen C1837342, MONDO:0012127, OMIM 608807.
Cardiovascular phenotype. Identifiers: MedGen CN230736.

Allele frequency attached by ClinVar (database versions not stated): gnomAD exomes 0.00001 and 0.00002; TOPMed 0.00001; ExAC 0.00001.
gnomAD v4.1: 16 of 1,605,872 alleles (0.001%); highest among the groups gnomAD compares: Admixed American, 0.0051%; no homozygotes.

Submissions (2):

Labcorp Genetics (formerly Invitae), Labcorp
Classification: Uncertain significance for Dilated cardiomyopathy 1G; Autosomal recessive limb-girdle muscular dystrophy type 2J. Last evaluated: 2017-11-03. Review status: criteria provided, single submitter. Criteria: Invitae Variant Classification Sherloc (09022015). Collection method: clinical testing. Allele origin: germline.

Ambry Genetics
Classification: Uncertain significance for Cardiovascular phenotype. Last evaluated: 2013-07-25. Review status: criteria provided, single submitter. Criteria: Ambry Autosomal Dominant and X-Linked criteria (10/2015). Collection method: clinical testing. Allele origin: germline. Observed: 1 variant allele.
Comment: Thep.A12276T variant (also known as c.36826G>A) is located in coding exon 189 (c.36721_36844) of the TTNgene. This alteration results from a G to A substitution at nucleotide position 36826. The alanine at codon 12276 is replaced by threonine, an amino acid with some dissimilar properties.This variant was not reported in population-based cohorts in the following databases: Database of Single Nucleotide Polymorphisms (dbSNP), the 1000 Genomes Project and the NHLBI Exome Sequencing Project (ESP). In the ESP, this variant was not observed in 5923 samples (11846 alleles) with coverage at this position. Based on protein sequence alignment, this amino acid position is highly conserved in available vertebrate species.In addition, this alteration is predicted to be probably damaging by PolyPhenin silico analysis. Since supporting evidence is limited at this time, the clinical significance of this variant remains unclear.

NM_001267550.2(TTN):c.44530G>A (p.Ala14844Thr)

Gene: TTN (titin; minus strand). Cytogenetic location: 2q31.2.
Variant type: single nucleotide variant.
Coding change: c.44530G>A on transcript NM_001267550.2 (MANE Select); coding-DNA position 44530, G replaced by A.
Protein change: p.Ala14844Thr; replaces alanine 14844 with threonine.
Molecular consequence: missense variant.
Genome position (GRCh38, 1-based): chr2:178,625,291, C>T on the plus strand (G>A on the coding strand, the complement: TTN is on the minus strand). VCF-style: chr2-178625291-C-T. GRCh37 (hg19) VCF-style: chr2-179490018-C-T.
Other names: c.39607G>A, p.Ala13203Thr (NM_001256850.1); c.17335G>A, p.Ala5779Thr (NM_003319.4); c.36826G>A, p.Ala12276Thr (NM_133378.4); c.17710G>A, p.Ala5904Thr (NM_133432.3); c.17911G>A, p.Ala5971Thr (NM_133437.4); short protein forms A12276T, A14844T, A5779T, A5971T, A13203T, A5904T.
Identifiers: ClinVar variation 263648 (VCV000263648.5), dbSNP rs772053966, ClinGen allele CA1995622.